The following is an entry in ClinVar:

NM_000548.5(TSC2):c.5285A>T (p.Asn1762Ile)

Gene: TSC2 (TSC complex subunit 2; plus strand). Cytogenetic location: 16p13.3.
Variant type: single nucleotide variant.
Coding change: c.5285A>T on transcript NM_000548.5 (MANE Select); coding-DNA position 5285, A replaced by T.
Protein change: p.Asn1762Ile; replaces asparagine 1762 with isoleucine.
Molecular consequence: missense variant. On other transcripts: non-coding transcript variant (5).
Genome position (GRCh38, 1-based): chr16:2,088,471, A>T. VCF-style: chr16-2088471-A-T. GRCh37 (hg19) VCF-style: chr16-2138472-A-T.
Other names: c.5084A>T, p.Asn1695Ile (NM_001077183.3); c.5216A>T, p.Asn1739Ile (NM_001114382.3); c.4976A>T, p.Asn1659Ile (NM_001318827.2); c.4940A>T, p.Asn1647Ile (NM_001318829.2); c.4553A>T, p.Asn1518Ile (NM_001318831.2); c.5117A>T, p.Asn1706Ile (NM_001318832.2); c.5087A>T, p.Asn1696Ile (NM_001363528.2); c.5153A>T, p.Asn1718Ile (NM_001370404.1); and 27 more; short protein forms N1270I, N1291I, N1496I, N1518I, N1647I, N1695I, N1706I, N1715I.
Identifiers: ClinVar variation 3974643 (VCV003974643.1).

ClinVar aggregate classification (germline): Uncertain significance (1 of 4 stars; one submission).

Conditions:
Hereditary cancer-predisposing syndrome. Also called: Tumor predisposition; Hereditary neoplastic syndrome; Hereditary Cancer Syndrome; Neoplastic Syndromes, Hereditary. Identifiers: Orphanet 140162, MedGen C0027672, MeSH D009386, MONDO:0015356.

Submission:

Ambry Genetics
Classification: Uncertain significance for Hereditary cancer-predisposing syndrome. Last evaluated: 2025-04-02. Review status: criteria provided, single submitter. Criteria: Ambry Variant Classification Scheme 2023. Collection method: clinical testing. Allele origin: germline.
Comment: The p.N1762I variant (also known as c.5285A>T), located in coding exon 41 of the TSC2 gene, results from an A to T substitution at nucleotide position 5285. The asparagine at codon 1762 is replaced by isoleucine, an amino acid with dissimilar properties. This amino acid position is conserved. In addition, the in silico prediction for this alteration is inconclusive. Based on the available evidence, the clinical significance of this variant remains unclear.